The following is an entry in ClinVar:

ClinVar aggregate classification (germline): Uncertain significance (1 of 4 stars; one submission).

Allele frequency attached by ClinVar (database versions not stated): TOPMed 0.00001.

Submission:

Labcorp Genetics (formerly Invitae), Labcorp
Classification: Uncertain significance. Last evaluated: 2022-02-20. Review status: criteria provided, single submitter. Criteria: Invitae Variant Classification Sherloc (09022015). Collection method: clinical testing. Allele origin: germline.
Comment: In summary, the available evidence is currently insufficient to determine the role of this variant in disease. Therefore, it has been classified as a Variant of Uncertain Significance. Algorithms developed to predict the effect of missense changes on protein structure and function are either unavailable or do not agree on the potential impact of this missense change (SIFT: "Deleterious"; PolyPhen-2: "Possibly Damaging"; Align-GVGD: "Class C0"). This variant has not been reported in the literature in individuals affected with CACNA1E-related conditions. This variant is not present in population databases (gnomAD no frequency). This sequence change replaces glutamic acid, which is acidic and polar, with lysine, which is basic and polar, at codon 74 of the CACNA1E protein (p.Glu74Lys).

NM_001205293.3(CACNA1E):c.220G>A (p.Glu74Lys)

Gene: CACNA1E (calcium voltage-gated channel subunit alpha1 E; plus strand). Cytogenetic location: 1q25.3.
Variant type: single nucleotide variant.
Coding change: c.220G>A on transcript NM_001205293.3 (MANE Select); coding-DNA position 220, G replaced by A.
Protein change: p.Glu74Lys; replaces glutamic acid 74 with lysine.
Molecular consequence: missense variant.
Genome position (GRCh38, 1-based): chr1:181,483,964, G>A. VCF-style: chr1-181483964-G-A. GRCh37 (hg19) VCF-style: chr1-181453100-G-A.
Other names: c.220G>A, p.Glu74Lys (NM_000721.4, NM_001205294.2); short protein forms E74K.
Identifiers: ClinVar variation 2099829 (VCV002099829.4), dbSNP rs934695983, ClinGen allele CA34178252.